The following is an entry in ClinVar:

ClinVar aggregate classification (germline): Conflicting classifications of pathogenicity. Review status: criteria provided, conflicting classifications (1 of 4 stars). 2 submissions from 2 submitters: Likely pathogenic (1); Uncertain significance (1). Last evaluated 2021-10-21.

Conditions:
Cerebral arteriopathy, autosomal dominant, with subcortical infarcts and leukoencephalopathy, type 1 (CADASIL1). Also called: CADASIL 1; CASIL; Cerebral arteriopathy with subcortical infarcts and leukoencephalopathy 1; DEMENTIA, HEREDITARY MULTIINFARCT TYPE. Identifiers: Orphanet 136, MedGen C4551768, MONDO:0000914, OMIM 125310.

Submissions (2):

University of Washington Department of Laboratory Medicine, University of Washington
Classification: Likely pathogenic for Cerebral arteriopathy, autosomal dominant, with subcortical infarcts and leukoencephalopathy, type 1. Last evaluated: 2021-10-21. Review status: criteria provided, single submitter. Criteria: ACMG Guidelines, 2015. Collection method: clinical testing. Allele origin: unknown. Affected: yes.
Comment: The p.Cys168Tyr variant in the NOTCH3 gene has not been previously reported in association with disease and was absent from large population databases, including the Genome Aggregation Database. This variant disrupts a cysteine predicted to form disulfide bond and is located in a calcium-binding EGF domain of the NOTCH3 protein. Cysteine-altering variants in this domain are a common type of pathogenic variant associated with CADASIL (Rutten 2016, Rutten 2019). In silico tools predict that the p.Cys168Tyr variant is deleterious; however, these predictions have not been tested directly. Using ACMG guidelines, this variant was classified as likely pathogenic for autosomal dominant cerebral arteriopathy with subcortical infarcts and leukoencephalopathy (CADASIL) (ACMG evidence codes used: PM1_strong, PM2_supporting, PP3, PP4).

3billion
Classification: Uncertain significance for Cerebral arteriopathy, autosomal dominant, with subcortical infarcts and leukoencephalopathy, type 1. Review status: criteria provided, single submitter. Criteria: ACMG Guidelines, 2015. Collection method: clinical testing. Allele origin: unknown. Affected: yes. Observed: 1 heterozygote.
Comment: The variant is not observed in the gnomAD v2.1.1 dataset. Missense changes are a common disease-causing mechanism. In silico tool predictions suggest damaging effect of the variant on gene or gene product (REVEL: 0.96; 3Cnet: 0.92). A different missense change at the same codon (p.Cys168Ser) has been reported to be associated with NOTCH3 related disorder (ClinVar ID: VCV001807386). However the evidence of pathogenicity is insufficient at this time. Therefore, this variant is classified as Uncertain significance according to the recommendation of ACMG/AMP guideline.

NM_000435.3(NOTCH3):c.503G>A (p.Cys168Tyr)

Gene: NOTCH3 (notch receptor 3; minus strand). Cytogenetic location: 19p13.12.
Variant type: single nucleotide variant.
Coding change: c.503G>A on transcript NM_000435.3 (MANE Select); coding-DNA position 503, G replaced by A.
Protein change: p.Cys168Tyr; replaces cysteine 168 with tyrosine.
Molecular consequence: missense variant.
Genome position (GRCh38, 1-based): chr19:15,192,136, C>T on the plus strand (G>A on the coding strand, the complement: NOTCH3 is on the minus strand). VCF-style: chr19-15192136-C-T. GRCh37 (hg19) VCF-style: chr19-15302947-C-T.
Other names: c.503G>A (NM_000435.2); short protein forms C168Y.
Identifiers: ClinVar variation 2572414 (VCV002572414.2), dbSNP rs2145441901, ClinGen allele CA404533817.